The following is an entry in ClinVar:

NM_014270.5(SLC7A9):c.413C>T (p.Ala138Val)

Gene: SLC7A9 (solute carrier family 7 member 9; minus strand). Cytogenetic location: 19q13.11.
Variant type: single nucleotide variant.
Coding change: c.413C>T on transcript NM_014270.5 (MANE Select); coding-DNA position 413, C replaced by T.
Protein change: p.Ala138Val; replaces alanine 138 with valine.
Molecular consequence: missense variant.
Genome position (GRCh38, 1-based): chr19:32,864,161, G>A on the plus strand (C>T on the coding strand, the complement: SLC7A9 is on the minus strand). VCF-style: chr19-32864161-G-A. GRCh37 (hg19) VCF-style: chr19-33355067-G-A.
Other names: c.413C>T, p.Ala138Val (NM_001126335.2, NM_001243036.2); short protein forms A138V.
Identifiers: ClinVar variation 3703007 (VCV003703007.2).

ClinVar aggregate classification (germline): Uncertain significance (1 of 4 stars; one submission).

gnomAD v4.1: 60 of 1,614,180 alleles (0.0037%); highest among the groups gnomAD compares: African/African-American, 0.0093%; no homozygotes.

Submission:

Labcorp Genetics (formerly Invitae), Labcorp
Classification: Uncertain significance. Last evaluated: 2026-01-31. Review status: criteria provided, single submitter. Criteria: Invitae Variant Classification Sherloc (09022015). Collection method: clinical testing. Allele origin: germline.
Comment: This sequence change replaces alanine, which is neutral and non-polar, with valine, which is neutral and non-polar, at codon 138 of the SLC7A9 protein (p.Ala138Val). This variant is present in population databases (rs146708680, gnomAD 0.009%). This variant has not been reported in the literature in individuals affected with SLC7A9-related conditions. ClinVar contains an entry for this variant (Variation ID: 3703007). Invitae Evidence Modeling of protein sequence and biophysical properties (such as structural, functional, and spatial information, amino acid conservation, physicochemical variation, residue mobility, and thermodynamic stability) indicates that this missense variant is not expected to disrupt SLC7A9 protein function with a negative predictive value of 80%. In summary, the available evidence is currently insufficient to determine the role of this variant in disease. Therefore, it has been classified as a Variant of Uncertain Significance.